The following is an entry in ClinVar:

ClinVar aggregate classification (germline): Likely benign (0 of 4 stars; one submission).

Conditions:
KDM6B-related disorder. Also called: KDM6B-related condition.

gnomAD v4.1: 17 of 1,596,072 alleles (0.0011%); highest among the groups gnomAD compares: African/African-American, 0.0013%; no homozygotes.

Submission:

PreventionGenetics, part of Exact Sciences
Classification: Likely benign for KDM6B-related condition. Last evaluated: 2021-06-15. Review status: no assertion criteria provided. Collection method: clinical testing. Allele origin: germline.
Comment: This variant is classified as likely benign based on ACMG/AMP sequence variant interpretation guidelines (Richards et al. 2015 PMID: 25741868, with internal and published modifications).

NM_001348716.2(KDM6B):c.2652G>T (p.Ala884=)

Gene: KDM6B (lysine demethylase 6B; plus strand). Cytogenetic location: 17p13.1.
Variant type: single nucleotide variant.
Coding change: c.2652G>T on transcript NM_001348716.2 (MANE Select); coding-DNA position 2652, G replaced by T.
Protein change: p.Ala884=; no amino-acid change (alanine 884 retained).
Molecular consequence: synonymous variant.
Genome position (GRCh38, 1-based): chr17:7,848,940, G>T. VCF-style: chr17-7848940-G-T. GRCh37 (hg19) VCF-style: chr17-7752258-G-T.
Other names: c.2652G>T, p.Ala884= (NM_001080424.2).
Identifiers: ClinVar variation 3029128 (VCV003029128.2), dbSNP rs779781827, ClinGen allele CA497948091.